The following is an entry in ClinVar:

ClinVar aggregate classification (germline): Likely pathogenic (0 of 4 stars; one submission).

Conditions:
ANK1-related disorder. Also called: ANK1-related condition.

Submission:

PreventionGenetics, part of Exact Sciences
Classification: Likely pathogenic for ANK1-related condition. Last evaluated: 2024-01-29. Review status: no assertion criteria provided. Collection method: clinical testing. Allele origin: germline.
Comment: The ANK1 c.2461+1G>A variant is predicted to disrupt the GT donor site and interfere with normal splicing. To our knowledge, this variant has not been reported in the literature or in a large population database, indicating this variant is rare. Variants that disrupt the consensus splice donor site in ANK1 are expected to be pathogenic. This variant is interpreted as likely pathogenic.

NM_000037.4(ANK1):c.2461+1G>A

Gene: ANK1 (ankyrin 1; minus strand). Cytogenetic location: 8p11.21.
Variant type: single nucleotide variant.
Coding change: c.2461+1G>A on transcript NM_000037.4 (MANE Select); the canonical splice donor site of the intron after coding-DNA position 2461, G replaced by A.
Molecular consequence: splice donor variant.
Genome position (GRCh38, 1-based): chr8:41,701,549, C>T on the plus strand (G>A on the coding strand, the complement: ANK1 is on the minus strand). VCF-style: chr8-41701549-C-T. GRCh37 (hg19) VCF-style: chr8-41559067-C-T.
Other names: c.2560+1G>A (NM_001142446.2); c.2461+1G>A (NM_020477.3, NM_020475.3, NM_020476.3).
Identifiers: ClinVar variation 2633397 (VCV002633397.3), dbSNP rs2486817571, ClinGen allele CA371064804.